The following is an entry in ClinVar:

ClinVar aggregate classification (germline): Likely benign (1 of 4 stars; one submission).

gnomAD v4.1: 54 of 1,612,674 alleles (0.0033%); highest among the groups gnomAD compares: Non-Finnish European, 0.0042%; 1 homozygote.

Submission:

CeGaT Center for Human Genetics Tuebingen
Classification: Likely benign. Last evaluated: 2026-06-01. Review status: criteria provided, single submitter. Criteria: CeGaT Center For Human Genetics Tuebingen Variant Classification Criteria Version 2. Collection method: clinical testing. Allele origin: germline. Affected: yes. Observed: 1 variant allele.
Comment: CIC: BP4, BP7

NM_001386298.1(CIC):c.5265T>G (p.Pro1755=)

Gene: CIC (capicua transcriptional repressor; plus strand). Cytogenetic location: 19q13.2.
Variant type: single nucleotide variant.
Coding change: c.5265T>G on transcript NM_001386298.1 (MANE Select); coding-DNA position 5265, T replaced by G.
Protein change: p.Pro1755=; no amino-acid change (proline 1755 retained).
Molecular consequence: synonymous variant.
Genome position (GRCh38, 1-based): chr19:42,291,306, T>G. VCF-style: chr19-42291306-T-G. GRCh37 (hg19) VCF-style: chr19-42795458-T-G.
Other names: c.5265T>G, p.Pro1755= (NM_001304815.2, NM_001379480.1, NM_001379482.1 and 6 more transcripts); c.2538T>G, p.Pro846= (NM_001379484.1, NM_001379485.1, NM_001439189.1 and 3 more transcripts).
Identifiers: ClinVar variation 4873687 (VCV004873687.2).